The following is an entry in ClinVar:

ClinVar aggregate classification (germline): Uncertain significance (1 of 4 stars; one submission).

Allele frequency attached by ClinVar (database versions not stated): gnomAD exomes below 0.00001.
gnomAD v4.1: 1 of 1,195,748 alleles (0.000084%); highest among the groups gnomAD compares: Non-Finnish European, 0.00011%; no homozygotes.

Submission:

CeGaT Center for Human Genetics Tuebingen
Classification: Uncertain significance. Last evaluated: 2022-07-01. Review status: criteria provided, single submitter. Criteria: CeGaT Center For Human Genetics Tuebingen Variant Classification Criteria Version 2. Collection method: clinical testing. Allele origin: germline. Affected: yes. Observed: 1 variant allele.
Comment: DMD: PM2, PP3

NM_004006.3(DMD):c.10373G>A (p.Ser3458Asn)

Gene: DMD (dystrophin; minus strand). Cytogenetic location: Xp21.2.
Variant type: single nucleotide variant.
Coding change: c.10373G>A on transcript NM_004006.3 (MANE Select); coding-DNA position 10373, G replaced by A.
Protein change: p.Ser3458Asn; replaces serine 3458 with asparagine.
Molecular consequence: missense variant. On other transcripts: intron variant (2).
Genome position (GRCh38, 1-based): chrX:31,172,369, C>T on the plus strand (G>A on the coding strand, the complement: DMD is on the minus strand). VCF-style: chrX-31172369-C-T. GRCh37 (hg19) VCF-style: chrX-31190486-C-T.
Other names: c.1169G>A, p.Ser390Asn (NM_004016.3, NM_004015.3); c.1130G>A, p.Ser377Asn (NM_004017.3, NM_004018.3); c.2993G>A, p.Ser998Asn (NM_004021.3, NM_004013.3); c.2954G>A, p.Ser985Asn (NM_004022.3); c.2843+6300G>A (NM_004023.3, NM_004020.4); c.10349G>A, p.Ser3450Asn (NM_000109.4); c.10361G>A, p.Ser3454Asn (NM_004009.3); c.10004G>A, p.Ser3335Asn (NM_004010.3); and 3 more; short protein forms S2114N, S2117N, S3335N, S3450N, S3454N, S3458N, S377N, S390N.
Identifiers: ClinVar variation 2660239 (VCV002660239.24), dbSNP rs2519814151, ClinGen allele CA412652151.